The following is an entry in ClinVar:

ClinVar aggregate classification (germline): Uncertain significance (1 of 4 stars; one submission).

Allele frequency attached by ClinVar (database versions not stated): gnomAD exomes below 0.00001; ExAC 0.00001; gnomAD 0.00001; 1000 Genomes Project 30x 0.00016; 1000 Genomes Project 0.00020.
gnomAD v4.1: 2 of 1,610,474 alleles (0.00012%); highest among the groups gnomAD compares: East Asian, 0.0022%; no homozygotes.

Submission:

Labcorp Genetics (formerly Invitae), Labcorp
Classification: Uncertain significance. Last evaluated: 2020-12-14. Review status: criteria provided, single submitter. Criteria: Invitae Variant Classification Sherloc (09022015). Collection method: clinical testing. Allele origin: germline.
Comment: This sequence change replaces proline with serine at codon 944 of the COL27A1 protein (p.Pro944Ser). The proline residue is highly conserved and there is a moderate physicochemical difference between proline and serine. This variant is present in population databases (rs532587084, ExAC 0.01%). This variant has not been reported in the literature in individuals with COL27A1-related conditions. Advanced modeling of protein sequence and biophysical properties (such as structural, functional, and spatial information, amino acid conservation, physicochemical variation, residue mobility, and thermodynamic stability) performed at Invitae indicates that this missense variant is not expected to disrupt COL27A1 protein function. In summary, the available evidence is currently insufficient to determine the role of this variant in disease. Therefore, it has been classified as a Variant of Uncertain Significance.

NM_032888.4(COL27A1):c.2830C>T (p.Pro944Ser)

Gene: COL27A1 (collagen type XXVII alpha 1 chain; plus strand). Cytogenetic location: 9q32.
Variant type: single nucleotide variant.
Coding change: c.2830C>T on transcript NM_032888.4 (MANE Select); coding-DNA position 2830, C replaced by T.
Protein change: p.Pro944Ser; replaces proline 944 with serine.
Molecular consequence: missense variant.
Genome position (GRCh38, 1-based): chr9:114,240,482, C>T. VCF-style: chr9-114240482-C-T. GRCh37 (hg19) VCF-style: chr9-117002762-C-T.
Other names: short protein forms P944S.
Identifiers: ClinVar variation 1915554 (VCV001915554.2), dbSNP rs532587084, ClinGen allele CA5202086.